The following is an entry in ClinVar:

NM_170754.4(TNS2):c.2674C>T (p.Arg892Trp)

Gene: TNS2 (tensin 2; plus strand). Cytogenetic location: 12q13.13.
Variant type: single nucleotide variant.
Coding change: c.2674C>T on transcript NM_170754.4 (MANE Select); coding-DNA position 2674, C replaced by T.
Protein change: p.Arg892Trp; replaces arginine 892 with tryptophan.
Molecular consequence: missense variant.
Genome position (GRCh38, 1-based): chr12:53,060,461, C>T. VCF-style: chr12-53060461-C-T. GRCh37 (hg19) VCF-style: chr12-53454245-C-T.
Other names: c.2674C>T, p.Arg892Trp (NM_001416202.1); c.2632C>T, p.Arg878Trp (NM_001416203.1); c.2701C>T, p.Arg901Trp (NM_001416204.1); c.2605C>T, p.Arg869Trp (NM_015319.3); c.2302C>T, p.Arg768Trp (NM_198316.2); short protein forms R869W, R878W, R892W, R901W, R768W.
Identifiers: ClinVar variation 4597863 (VCV004597863.2).
Genomic context (GRCh38, chr12:53,060,461, plus strand): 5'-GCAGAGTCGCTGGAGCCGGTGTCCTGGAGGGAGGGCCCCAGTGGGCACAGCACACTGCCT[C>T]GGTCTCCCCGAGATGCCCCATGCAGTGCTTCGTCAGAGTTGTCTGGTCCCTCCACGCCCC-3'
Protein context (NP_736610.2, residues 882-902): EGPSGHSTLP[Arg892Trp]SPRDAPCSAS

ClinVar aggregate classification (germline): Uncertain significance. Review status: criteria provided, multiple submitters, no conflicts (2 of 4 stars). 2 submissions from 2 submitters: Uncertain significance (2). Last evaluated 2025-10-29.

Conditions:
TNS2-related disorder. Also called: TNS2-related condition.

gnomAD v4.1: 74 of 1,613,594 alleles (0.0046%); highest among the groups gnomAD compares: Non-Finnish European, 0.006%; no homozygotes.

Submissions (2):

Ambry Genetics
Classification: Uncertain significance. Last evaluated: 2025-10-29. Review status: criteria provided, single submitter. Criteria: Ambry Variant Classification Scheme 2023. Collection method: clinical testing. Allele origin: germline.

PreventionGenetics, part of Exact Sciences
Classification: Uncertain significance for TNS2-related condition. Last evaluated: 2025-08-11. Review status: criteria provided, single submitter. Criteria: ACMG Guidelines, 2015. Collection method: clinical testing. Allele origin: germline.
Comment: The TNS2 c.2704C>T variant is predicted to result in the amino acid substitution p.Arg902Trp. To our knowledge, this variant has not been reported in the literature. This variant is reported in 0.0047% of alleles in individuals of European (Non-Finnish) descent in gnomAD. At this time, the clinical significance of this variant is uncertain due to the absence of conclusive functional and genetic evidence.